The following is an entry in ClinVar:

ClinVar aggregate classification (germline): Uncertain significance (1 of 4 stars; one submission).

gnomAD v4.1: 4 of 1,610,978 alleles (0.00025%); highest among the groups gnomAD compares: Non-Finnish European, 0.00034%; no homozygotes.

Submission:

GeneDx
Classification: Uncertain significance. Last evaluated: 2022-11-17. Review status: criteria provided, single submitter. Criteria: GeneDx Variant Classification Process June 2021. Collection method: clinical testing. Allele origin: germline. Affected: yes.
Comment: Not observed at significant frequency in large population cohorts (gnomAD); Has not been previously published as pathogenic or benign to our knowledge; In silico analysis is inconclusive as to whether the variant alters gene splicing. In the absence of RNA/functional studies, the actual effect of this sequence change is unknown.

NM_012463.4(ATP6V0A2):c.2505C>T (p.Thr835=)

Gene: ATP6V0A2 (ATPase H+ transporting V0 subunit a2; plus strand). Cytogenetic location: 12q24.31.
Variant type: single nucleotide variant.
Coding change: c.2505C>T on transcript NM_012463.4 (MANE Select); coding-DNA position 2505, C replaced by T.
Protein change: p.Thr835=; no amino-acid change (threonine 835 retained).
Molecular consequence: synonymous variant.
Genome position (GRCh38, 1-based): chr12:123,757,966, C>T. VCF-style: chr12-123757966-C-T. GRCh37 (hg19) VCF-style: chr12-124242513-C-T.
Identifiers: ClinVar variation 1310162 (VCV001310162.2), dbSNP rs535703391, ClinGen allele CA482270698.